The following is an entry in ClinVar:

ClinVar aggregate classification (germline): Uncertain significance. Review status: criteria provided, multiple submitters, no conflicts (2 of 4 stars). 3 submissions from 3 submitters: Uncertain significance (3). Last evaluated 2026-08-01.

Allele frequency attached by ClinVar (database versions not stated): gnomAD 0.00001; gnomAD exomes 0.00001; ExAC 0.00002; TOPMed 0.00002.
gnomAD v4.1: 14 of 1,614,016 alleles (0.00087%); highest among the groups gnomAD compares: Middle Eastern, 0.016%; no homozygotes.

Submissions (3):

CeGaT Center for Human Genetics Tuebingen
Classification: Uncertain significance. Last evaluated: 2026-08-01. Review status: criteria provided, single submitter. Criteria: CeGaT Center For Human Genetics Tuebingen Variant Classification Criteria Version 2. Collection method: clinical testing. Allele origin: germline. Affected: yes. Observed: 1 variant allele.
Comment: FBLN5: PM2

Labcorp Genetics (formerly Invitae), Labcorp
Classification: Uncertain significance. Last evaluated: 2025-02-06. Review status: criteria provided, single submitter. Criteria: Invitae Variant Classification Sherloc (09022015). Collection method: clinical testing. Allele origin: germline.
Comment: This sequence change replaces arginine, which is basic and polar, with tryptophan, which is neutral and slightly polar, at codon 414 of the FBLN5 protein (p.Arg414Trp). This variant is present in population databases (rs767535657, gnomAD 0.006%). This variant has not been reported in the literature in individuals affected with FBLN5-related conditions. ClinVar contains an entry for this variant (Variation ID: 1800802). Invitae Evidence Modeling of protein sequence and biophysical properties (such as structural, functional, and spatial information, amino acid conservation, physicochemical variation, residue mobility, and thermodynamic stability) indicates that this missense variant is not expected to disrupt FBLN5 protein function with a negative predictive value of 80%. In summary, the available evidence is currently insufficient to determine the role of this variant in disease. Therefore, it has been classified as a Variant of Uncertain Significance.

GeneDx
Classification: Uncertain significance. Last evaluated: 2022-11-17. Review status: criteria provided, single submitter. Criteria: GeneDx Variant Classification Process June 2021. Collection method: clinical testing. Allele origin: germline. Affected: yes.
Comment: In silico analysis supports that this missense variant has a deleterious effect on protein structure/function; Has not been previously published as pathogenic or benign to our knowledge

NM_006329.4(FBLN5):c.1240C>T (p.Arg414Trp)

Gene: FBLN5 (fibulin 5; minus strand). Cytogenetic location: 14q32.12.
Variant type: single nucleotide variant.
Coding change: c.1240C>T on transcript NM_006329.4 (MANE Select); coding-DNA position 1240, C replaced by T.
Protein change: p.Arg414Trp; replaces arginine 414 with tryptophan.
Molecular consequence: missense variant. On other transcripts: 3 prime UTR variant (2).
Genome position (GRCh38, 1-based): chr14:91,870,331, G>A on the plus strand (C>T on the coding strand, the complement: FBLN5 is on the minus strand). VCF-style: chr14-91870331-G-A. GRCh37 (hg19) VCF-style: chr14-92336675-G-A.
Other names: c.1363C>T, p.Arg455Trp (NM_001384158.1); c.1291C>T, p.Arg431Trp (NM_001384159.1); c.*24C>T (NM_001384160.1, NM_001384161.1); c.1072C>T, p.Arg358Trp (NM_001384162.1); short protein forms R358W, R414W, R431W, R455W.
Identifiers: ClinVar variation 1800802 (VCV001800802.6), dbSNP rs767535657, ClinGen allele CA7312576.